The following is an entry in ClinVar:

ClinVar aggregate classification (germline): Uncertain significance. Review status: criteria provided, multiple submitters, no conflicts (2 of 4 stars). 2 submissions from 2 submitters: Uncertain significance (2). Last evaluated 2022-03-15.

gnomAD v4.1: 9 of 1,613,904 alleles (0.00056%); highest among the groups gnomAD compares: Non-Finnish European, 0.00076%; no homozygotes.

Submissions (2):

Labcorp Genetics (formerly Invitae), Labcorp
Classification: Uncertain significance. Last evaluated: 2022-03-15. Review status: criteria provided, single submitter. Criteria: Invitae Variant Classification Sherloc (09022015). Collection method: clinical testing. Allele origin: germline.
Comment: This sequence change replaces arginine, which is basic and polar, with glutamine, which is neutral and polar, at codon 169 of the SEPSECS protein (p.Arg169Gln). This variant is present in population databases (rs756626744, gnomAD 0.002%). This missense change has been observed in individual(s) with SEPSECS-related conditions (Invitae). Algorithms developed to predict the effect of missense changes on protein structure and function (SIFT, PolyPhen-2, Align-GVGD) all suggest that this variant is likely to be disruptive. In summary, the available evidence is currently insufficient to determine the role of this variant in disease. Therefore, it has been classified as a Variant of Uncertain Significance.

Blueprint Genetics
Classification: Uncertain significance. Last evaluated: 2021-01-27. Review status: criteria provided, single submitter. Criteria: ACMG Guidelines, 2015. Collection method: clinical testing. Allele origin: germline.

NM_016955.4(SEPSECS):c.506G>A (p.Arg169Gln)

Gene: SEPSECS (Sep (O-phosphoserine) tRNA:Sec (selenocysteine) tRNA synthase; minus strand). Cytogenetic location: 4p15.2.
Variant type: single nucleotide variant.
Coding change: c.506G>A on transcript NM_016955.4 (MANE Select); coding-DNA position 506, G replaced by A.
Protein change: p.Arg169Gln; replaces arginine 169 with glutamine.
Molecular consequence: missense variant.
Genome position (GRCh38, 1-based): chr4:25,156,078, C>T on the plus strand (G>A on the coding strand, the complement: SEPSECS is on the minus strand). VCF-style: chr4-25156078-C-T. GRCh37 (hg19) VCF-style: chr4-25157700-C-T.
Other names: short protein forms R169Q.
Identifiers: ClinVar variation 1514253 (VCV001514253.4), dbSNP rs756626744, ClinGen allele CA2877423.